The following is an entry in ClinVar:

ClinVar aggregate classification (germline): Uncertain significance (1 of 4 stars; one submission).

Allele frequency attached by ClinVar (database versions not stated): gnomAD exomes below 0.00001.

Submission:

Labcorp Genetics (formerly Invitae), Labcorp
Classification: Uncertain significance. Last evaluated: 2024-05-06. Review status: criteria provided, single submitter. Criteria: Invitae Variant Classification Sherloc (09022015). Collection method: clinical testing. Allele origin: germline.
Comment: This sequence change replaces alanine, which is neutral and non-polar, with threonine, which is neutral and polar, at codon 713 of the PLG protein (p.Ala713Thr). This variant is not present in population databases (gnomAD no frequency). This variant has not been reported in the literature in individuals affected with PLG-related conditions. Advanced modeling of protein sequence and biophysical properties (such as structural, functional, and spatial information, amino acid conservation, physicochemical variation, residue mobility, and thermodynamic stability) performed at Invitae indicates that this missense variant is not expected to disrupt PLG protein function with a negative predictive value of 80%. In summary, the available evidence is currently insufficient to determine the role of this variant in disease. Therefore, it has been classified as a Variant of Uncertain Significance.

NM_000301.5(PLG):c.2137G>A (p.Ala713Thr)

Gene: PLG (plasminogen; plus strand). Cytogenetic location: 6q26.
Variant type: single nucleotide variant.
Coding change: c.2137G>A on transcript NM_000301.5 (MANE Select); coding-DNA position 2137, G replaced by A.
Protein change: p.Ala713Thr; replaces alanine 713 with threonine.
Molecular consequence: missense variant.
Genome position (GRCh38, 1-based): chr6:160,752,126, G>A. VCF-style: chr6-160752126-G-A. GRCh37 (hg19) VCF-style: chr6-161173158-G-A.
Other names: short protein forms A713T.
Identifiers: ClinVar variation 2838540 (VCV002838540.3), dbSNP rs886555174, ClinGen allele CA151246016.